The following is an entry in ClinVar:

NM_005802.5(TOPORS):c.2801C>T (p.Pro934Leu)

Gene: TOPORS (TOP1 binding arginine/serine rich protein, E3 ubiquitin ligase; minus strand). Cytogenetic location: 9p21.1.
Variant type: single nucleotide variant.
Coding change: c.2801C>T on transcript NM_005802.5 (MANE Select); coding-DNA position 2801, C replaced by T.
Protein change: p.Pro934Leu; replaces proline 934 with leucine.
Molecular consequence: missense variant.
Genome position (GRCh38, 1-based): chr9:32,541,724, G>A on the plus strand (C>T on the coding strand, the complement: TOPORS is on the minus strand). VCF-style: chr9-32541724-G-A. GRCh37 (hg19) VCF-style: chr9-32541722-G-A.
Other names: c.2801C>T (NM_005802.4); c.2606C>T, p.Pro869Leu (NM_001195622.2); short protein forms P869L, P934L.
Identifiers: ClinVar variation 1946409 (VCV001946409.6), dbSNP rs774134421, ClinGen allele CA5020302.
Genomic context (GRCh38, chr9:32,541,724, plus strand): 5'-GTAACTACATCTTTAGTTTCAAATGGTTCCAAGGAAGGAGCCAAAAACTCATTTTGTAGA[G>A]GGTCTTGAGGACCACTATTGTCACATTCTGTATCCTCCTTTACTTCAGAATCCTTATCAC-3'
Protein context (NP_005793.2, residues 924-944): TECDNSGPQD[Pro934Leu]LQNEFLAPSL

ClinVar aggregate classification (germline): Uncertain significance. Review status: criteria provided, multiple submitters, no conflicts (2 of 4 stars). 2 submissions from 2 submitters: Uncertain significance (2). Last evaluated 2024-05-22.

Conditions:
Inborn genetic diseases. Identifiers: MedGen C0950123, MeSH D030342.

Allele frequency attached by ClinVar (database versions not stated): gnomAD 0.00001; TOPMed 0.00001; ExAC 0.00003.

Submissions (2):

Labcorp Genetics (formerly Invitae), Labcorp
Classification: Uncertain significance. Last evaluated: 2024-05-22. Review status: criteria provided, single submitter. Criteria: Invitae Variant Classification Sherloc (09022015). Collection method: clinical testing. Allele origin: germline.
Comment: This sequence change replaces proline, which is neutral and non-polar, with leucine, which is neutral and non-polar, at codon 934 of the TOPORS protein (p.Pro934Leu). This variant is present in population databases (rs774134421, gnomAD 0.03%). This variant has not been reported in the literature in individuals affected with TOPORS-related conditions. ClinVar contains an entry for this variant (Variation ID: 1946409). Experimental studies and prediction algorithms are not available or were not evaluated, and the functional significance of this variant is currently unknown. In summary, the available evidence is currently insufficient to determine the role of this variant in disease. Therefore, it has been classified as a Variant of Uncertain Significance.

Ambry Genetics
Classification: Uncertain significance for Inborn genetic diseases. Last evaluated: 2024-04-06. Review status: criteria provided, single submitter. Criteria: Ambry Variant Classification Scheme 2023. Collection method: clinical testing. Allele origin: germline.